The following is an entry in ClinVar:

ClinVar aggregate classification (germline): Pathogenic (1 of 4 stars; one submission).

Conditions:
Peroxisome biogenesis disorder. Identifiers: Orphanet 79189, MedGen C1832200, MONDO:0019234. Disease mechanism: loss of function.

Submission:

Labcorp Genetics (formerly Invitae), Labcorp
Classification: Pathogenic for Peroxisome biogenesis disorder. Last evaluated: 2021-10-31. Review status: criteria provided, single submitter. Criteria: Invitae Variant Classification Sherloc (09022015). Collection method: clinical testing. Allele origin: germline.
Comment: For these reasons, this variant has been classified as Pathogenic. This premature translational stop signal has been observed in individual(s) with PEX6-related conditions (PMID: 19877282). This variant is not present in population databases (gnomAD no frequency). This sequence change creates a premature translational stop signal (p.Leu286Trpfs*65) in the PEX6 gene. It is expected to result in an absent or disrupted protein product. Loss-of-function variants in PEX6 are known to be pathogenic (PMID: 8670792, 19877282, 21031596).

Literature cited by the submitters: PubMed 19877282; PubMed 8670792; PubMed 21031596.

NM_000287.4(PEX6):c.856del (p.Leu286fs)

Gene: PEX6 (peroxisomal biogenesis factor 6; minus strand). Cytogenetic location: 6p21.1.
Variant type: Deletion.
Coding change: c.856del on transcript NM_000287.4 (MANE Select); coding-DNA position 856, one base deleted (C; older notation c.856delC).
Protein change: p.Leu286fs; shifts the reading frame from leucine 286.
Molecular consequence: frameshift variant. On other transcripts: non-coding transcript variant (1), intron variant (1).
Genome position (GRCh38, 1-based): chr6:42,978,295, G deleted on the plus strand (C on the coding strand, the reverse complement: PEX6 is on the minus strand); the first of 5 consecutive G bases (chr6:42,978,295-42,978,299); deleting any one gives the same sequence. VCF-style (leftmost placement, unchanged base first): chr6-42978294-AG-A. GRCh37 (hg19) VCF-style: chr6-42946032-AG-A.
Other names: c.618+238del (NM_001316313.2); short protein forms L286fs.
Identifiers: ClinVar variation 1451673 (VCV001451673.6), dbSNP rs267608205, ClinGen allele CA3811548.
Genomic context (GRCh38, chr6:42,978,294, plus strand): 5'-GAGGAAGCACTCCTGACCCCAGTCCTTTATCCTACCTGAATTCTGAGCTCTCCCATTTCC[AG>A]GGGGTCACAGCCAAGATTAAAAGCCAAAGTGGCAGGGACAAGCGCCAGTCCGTCAGCGAG-3'